The following is an entry in ClinVar:

ClinVar aggregate classification (germline): Uncertain significance (1 of 4 stars; one submission).

Submission:

Labcorp Genetics (formerly Invitae), Labcorp
Classification: Uncertain significance. Last evaluated: 2022-11-08. Review status: criteria provided, single submitter. Criteria: Invitae Variant Classification Sherloc (09022015). Collection method: clinical testing. Allele origin: germline.
Comment: In summary, the available evidence is currently insufficient to determine the role of this variant in disease. Therefore, it has been classified as a Variant of Uncertain Significance. Algorithms developed to predict the effect of missense changes on protein structure and function output the following: SIFT: "Tolerated"; PolyPhen-2: "Benign"; Align-GVGD: "Class C0". The proline amino acid residue is found in multiple mammalian species, which suggests that this missense change does not adversely affect protein function. ClinVar contains an entry for this variant (Variation ID: 1383254). This variant has not been reported in the literature in individuals affected with ASXL1-related conditions. This variant is not present in population databases (gnomAD no frequency). This sequence change replaces serine, which is neutral and polar, with proline, which is neutral and non-polar, at codon 1255 of the ASXL1 protein (p.Ser1255Pro).

NM_015338.6(ASXL1):c.3763T>C (p.Ser1255Pro)

Gene: ASXL1 (ASXL transcriptional regulator 1; plus strand). Cytogenetic location: 20q11.21.
Variant type: single nucleotide variant.
Coding change: c.3763T>C on transcript NM_015338.6 (MANE Select); coding-DNA position 3763, T replaced by C.
Protein change: p.Ser1255Pro; replaces serine 1255 with proline.
Molecular consequence: missense variant.
Genome position (GRCh38, 1-based): chr20:32,436,475, T>C. VCF-style: chr20-32436475-T-C. GRCh37 (hg19) VCF-style: chr20-31024278-T-C.
Other names: c.3580T>C, p.Ser1194Pro (NM_001363734.1); short protein forms S1255P, S1194P.
Identifiers: ClinVar variation 1383254 (VCV001383254.8), dbSNP rs2145386974, ClinGen allele CA408563755.
Genomic context (GRCh38, chr20:32,436,475, plus strand): 5'-TTCTCTTCCTTTAGTTGTGAAGATCAGAAGGAAGTCCGTGCTATGTCACAGGACAGTAAT[T>C]CAAATGCTGCTCCAGGAAAGAGCCCAGGAGATCTTACTACCTCGAGAACACCTCGTTTCT-3'
Protein context (NP_056153.2, residues 1245-1265): EVRAMSQDSN[Ser1255Pro]NAAPGKSPGD